The following is an entry in ClinVar:

ClinVar aggregate classification (germline): Uncertain significance. Review status: criteria provided, multiple submitters, no conflicts (2 of 4 stars). 2 submissions from 2 submitters: Uncertain significance (2). Last evaluated 2025-03-04.

Conditions:
Inborn genetic diseases. Identifiers: MedGen C0950123, MeSH D030342.

Allele frequency attached by ClinVar (database versions not stated): ExAC 0.00001; gnomAD 0.00001; gnomAD exomes 0.00001; TOPMed 0.00003.
gnomAD v4.1: 7 of 1,614,046 alleles (0.00043%); highest among the groups gnomAD compares: Admixed American, 0.012%; no homozygotes.

Submissions (2):

Ambry Genetics
Classification: Uncertain significance for Inborn genetic diseases. Last evaluated: 2025-03-04. Review status: criteria provided, single submitter. Criteria: Ambry Variant Classification Scheme 2023. Collection method: clinical testing. Allele origin: germline.

Labcorp Genetics (formerly Invitae), Labcorp
Classification: Uncertain significance. Last evaluated: 2024-02-24. Review status: criteria provided, single submitter. Criteria: Invitae Variant Classification Sherloc (09022015). Collection method: clinical testing. Allele origin: germline.
Comment: This sequence change replaces phenylalanine, which is neutral and non-polar, with leucine, which is neutral and non-polar, at codon 295 of the PCDH12 protein (p.Phe295Leu). This variant is present in population databases (rs774515731, gnomAD 0.02%). This variant has not been reported in the literature in individuals affected with PCDH12-related conditions. ClinVar contains an entry for this variant (Variation ID: 1919209). An algorithm developed to predict the effect of missense changes on protein structure and function (PolyPhen-2) suggests that this variant is likely to be disruptive. In summary, the available evidence is currently insufficient to determine the role of this variant in disease. Therefore, it has been classified as a Variant of Uncertain Significance.

NM_016580.4(PCDH12):c.883T>C (p.Phe295Leu)

Genes: RNF14 (ring finger protein 14; plus strand), PCDH12 (protocadherin 12; minus strand). Cytogenetic location: 5q31.3.
Variant type: single nucleotide variant.
Coding change: c.883T>C on transcript NM_016580.4 (MANE Select); coding-DNA position 883, T replaced by C.
Protein change: p.Phe295Leu; replaces phenylalanine 295 with leucine.
Molecular consequence: missense variant.
Genome position (GRCh38, 1-based): chr5:141,956,969, A>G on the plus strand (T>C on the coding strand, the complement: PCDH12 is on the minus strand). VCF-style: chr5-141956969-A-G. GRCh37 (hg19) VCF-style: chr5-141336534-A-G.
Other names: c.883T>C (NM_016580.2); short protein forms F295L.
Identifiers: ClinVar variation 1919209 (VCV001919209.6), dbSNP rs774515731, ClinGen allele CA3484493.
Genomic context (GRCh38, chr5:141,956,969, plus strand): 5'-TCTTTTCATAGTCTAGAGGTCGACGCAGAATGACCTGGCCTGTCTTGGCATCAATACTGA[A>G]GGTGTCCAGCACCTCTGGAGGCATGTGCTTACTGAGGAAGAACTCCACCTCCCCATTGGG-3'
Protein context (NP_057664.1, residues 285-305): KHMPPEVLDT[Phe295Leu]SIDAKTGQVI